The following is an entry in ClinVar:

NM_003239.5(TGFB3):c.1048T>A (p.Tyr350Asn)

Gene: TGFB3 (transforming growth factor beta 3; minus strand). Cytogenetic location: 14q24.3.
Variant type: single nucleotide variant.
Coding change: c.1048T>A on transcript NM_003239.5 (MANE Select); coding-DNA position 1048, T replaced by A.
Protein change: p.Tyr350Asn; replaces tyrosine 350 with asparagine.
Molecular consequence: missense variant.
Genome position (GRCh38, 1-based): chr14:75,960,955, A>T on the plus strand (T>A on the coding strand, the complement: TGFB3 is on the minus strand). VCF-style: chr14-75960955-A-T. GRCh37 (hg19) VCF-style: chr14-76427298-A-T.
Other names: c.1048T>A (NM_003239.2); c.1048T>A, p.Tyr350Asn (NM_001329939.2); short protein forms Y350N.
Identifiers: ClinVar variation 639363 (VCV000639363.8), dbSNP rs1400200743, ClinGen allele CA390467683.
Genomic context (GRCh38, chr14:75,960,955, plus strand): 5'-CCTCAGATGGCATGAGCCTGCTCCATACCGTGCTGTGGGTTGTGTCTGCACTGCGGAGGT[A>T]TGGGCAAGGGCCTGAGCAGAAGTTGGCATAGTAGCCCTTAGGTTCATGGACCCACTTCCA-3'
Protein context (NP_003230.1, residues 340-360): YANFCSGPCP[Tyr350Asn]LRSADTTHST

ClinVar aggregate classification (germline): Uncertain significance. Review status: criteria provided, multiple submitters, no conflicts (2 of 4 stars). 3 submissions from 3 submitters: Uncertain significance (3). Last evaluated 2025-10-28.

Conditions:
Rienhoff syndrome. Also called: LOEYS-DIETZ SYNDROME 5. Identifiers: MedGen C3810012, MONDO:0014262, OMIM 615582.
Familial thoracic aortic aneurysm and aortic dissection (TAAD). Also called: Thoracic aortic aneurysms and dissections. Identifiers: Orphanet 91387, MedGen C4707243, MONDO:0019625.

Allele frequency attached by ClinVar (database versions not stated): TOPMed below 0.00001; gnomAD exomes 0.00001.
gnomAD v4.1: 2 of 1,614,216 alleles (0.00012%); highest among the groups gnomAD compares: Admixed American, 0.0033%; no homozygotes.

Submissions (3):

Human Genetics Bochum, Ruhr University Bochum
Classification: Uncertain significance for Rienhoff syndrome. Last evaluated: 2025-10-28. Review status: criteria provided, single submitter. Criteria: ACMG Guidelines, 2015. Collection method: clinical testing. Allele origin: germline. Affected: yes.
Comment: ACMG criteria used to clasify this variant: PP3_mod, PM2_sup

Ambry Genetics
Classification: Uncertain significance for Familial thoracic aortic aneurysm and aortic dissection. Last evaluated: 2025-08-28. Review status: criteria provided, single submitter. Criteria: Ambry Variant Classification Scheme 2023. Collection method: clinical testing. Allele origin: germline.
Comment: The p.Y350N variant (also known as c.1048T>A), located in coding exon 6 of the TGFB3 gene, results from a T to A substitution at nucleotide position 1048. The tyrosine at codon 350 is replaced by asparagine, an amino acid with dissimilar properties. This amino acid position is conserved. In addition, this alteration is predicted to be deleterious by in silico analysis. Based on the available evidence, the clinical significance of this variant remains unclear.

Labcorp Genetics (formerly Invitae), Labcorp
Classification: Uncertain significance for Rienhoff syndrome. Last evaluated: 2021-09-08. Review status: criteria provided, single submitter. Criteria: Invitae Variant Classification Sherloc (09022015). Collection method: clinical testing. Allele origin: germline.
Comment: This sequence change replaces tyrosine with asparagine at codon 350 of the TGFB3 protein (p.Tyr350Asn). The tyrosine residue is highly conserved and there is a large physicochemical difference between tyrosine and asparagine. This variant is not present in population databases (ExAC no frequency). This variant has not been reported in the literature in individuals affected with TGFB3-related conditions. Algorithms developed to predict the effect of missense changes on protein structure and function are either unavailable or do not agree on the potential impact of this missense change (SIFT: "Tolerated"; PolyPhen-2: "Probably Damaging"; Align-GVGD: "Class C0"). In summary, the available evidence is currently insufficient to determine the role of this variant in disease. Therefore, it has been classified as a Variant of Uncertain Significance.